The following is an entry in ClinVar:

ClinVar aggregate classification (germline): Uncertain significance (1 of 4 stars; one submission).

Submission:

GeneDx
Classification: Uncertain significance. Last evaluated: 2024-10-04. Review status: criteria provided, single submitter. Criteria: GeneDx Variant Classification Process June 2021. Collection method: clinical testing. Allele origin: germline. Affected: yes.
Comment: Not observed at significant frequency in large population cohorts (gnomAD); In silico analysis supports that this missense variant has a deleterious effect on protein structure/function; Has not been previously published as pathogenic or benign to our knowledge

NM_004700.4(KCNQ4):c.488G>T (p.Trp163Leu)

Gene: KCNQ4 (potassium voltage-gated channel subfamily Q member 4; plus strand). Cytogenetic location: 1p34.2.
Variant type: single nucleotide variant.
Coding change: c.488G>T on transcript NM_004700.4 (MANE Select); coding-DNA position 488, G replaced by T.
Protein change: p.Trp163Leu; replaces tryptophan 163 with leucine.
Molecular consequence: missense variant.
Genome position (GRCh38, 1-based): chr1:40,818,246, G>T. VCF-style: chr1-40818246-G-T. GRCh37 (hg19) VCF-style: chr1-41283918-G-T.
Other names: c.488G>T, p.Trp163Leu (NM_172163.3); short protein forms W163L.
Identifiers: ClinVar variation 3776694 (VCV003776694.1).